The following is an entry in ClinVar:

ClinVar aggregate classification (germline): Uncertain significance. Review status: criteria provided, multiple submitters, no conflicts (2 of 4 stars). 3 submissions from 2 submitters: Uncertain significance (3). Last evaluated 2026-02-09.

Conditions:
Dilated cardiomyopathy 1Z (CMD1Z). Identifiers: Orphanet 154, MedGen C2678475, MONDO:0012745, OMIM 611879.
Hypertrophic cardiomyopathy 13. Also called: TNNC1-Related Familial Hypertrophic Cardiomyopathy. Identifiers: MedGen C2750472, MONDO:0013195, OMIM 613243.

Allele frequency attached by ClinVar (database versions not stated): gnomAD exomes below 0.00001.
gnomAD v4.1: 1 of 1,583,064 alleles (0.000063%); highest among the groups gnomAD compares: Non-Finnish European, 0.000086%; no homozygotes.

Submissions (3):

Women's Health and Genetics/Laboratory Corporation of America, LabCorp
Classification: Uncertain significance. Last evaluated: 2026-02-09. Review status: criteria provided, single submitter. Criteria: LabCorp Variant Classification Summary - May 2015. Collection method: clinical testing. Allele origin: germline.
Comment: Variant summary: TNNC1 c.4G>A (p.Asp2Asn) results in a conservative amino acid change in the encoded protein sequence. Algorithms developed to predict the effect of missense changes on protein structure and function are either unavailable or do not agree on the potential impact of this missense change. The frequency data for this variant in gnomAD is considered unreliable, as metrics indicate poor data quality at this position. c.4G>A has been observed in at least 1 individual(s) affected with hypertrophic cardiomyopathy (example, Juarez_2024). These report(s) do not provide unequivocal conclusions about association of the variant with Cardiomyopathy. To our knowledge, no experimental evidence demonstrating an impact on protein function has been reported. The following publication has been ascertained in the context of this evaluation (PMID: 38382684). ClinVar contains an entry for this variant (Variation ID: 346133). Based on the evidence outlined above, the variant was classified as uncertain significance.

Illumina Laboratory Services, Illumina
Classification: Uncertain significance for Dilated cardiomyopathy 1Z. Last evaluated: 2018-01-13. Review status: criteria provided, single submitter. Criteria: ICSL Variant Classification Criteria 13 December 2019. Collection method: clinical testing. Allele origin: germline.

Illumina Laboratory Services, Illumina
Classification: Uncertain significance for Hypertrophic cardiomyopathy 13. Last evaluated: 2018-01-13. Review status: criteria provided, single submitter. Criteria: ICSL Variant Classification Criteria 13 December 2019. Collection method: clinical testing. Allele origin: germline.

Literature cited by the submitters: PubMed 38382684 (cited by Women's Health and Genetics/Laboratory Corporation of America, LabCorp).

NM_003280.3(TNNC1):c.4G>A (p.Asp2Asn)

Gene: TNNC1 (troponin C1, slow skeletal and cardiac type; minus strand). Cytogenetic location: 3p21.1.
Variant type: single nucleotide variant.
Coding change: c.4G>A on transcript NM_003280.3 (MANE Select); coding-DNA position 4, G replaced by A.
Protein change: p.Asp2Asn; replaces aspartic acid 2 with asparagine.
Molecular consequence: missense variant.
Genome position (GRCh38, 1-based): chr3:52,454,012, C>T on the plus strand (G>A on the coding strand, the complement: TNNC1 is on the minus strand). VCF-style: chr3-52454012-C-T. GRCh37 (hg19) VCF-style: chr3-52488028-C-T.
Other names: c.4G>A (LRG_378t1); short protein forms D2N.
Identifiers: ClinVar variation 346133 (VCV000346133.7), dbSNP rs886058707, ClinGen allele CA10619226.